The following is an entry in ClinVar:

NM_001378454.1(ALMS1):c.272T>A (p.Leu91Gln)

Gene: ALMS1 (ALMS1 centrosome and basal body associated protein; plus strand). Cytogenetic location: 2p13.1.
Variant type: single nucleotide variant.
Coding change: c.272T>A on transcript NM_001378454.1 (MANE Select); coding-DNA position 272, T replaced by A.
Protein change: p.Leu91Gln; replaces leucine 91 with glutamine.
Molecular consequence: missense variant.
Genome position (GRCh38, 1-based): chr2:73,386,140, T>A. VCF-style: chr2-73386140-T-A. GRCh37 (hg19) VCF-style: chr2-73613268-T-A.
Other names: c.275T>A, p.Leu92Gln (NM_015120.4); short protein forms L92Q, L91Q.
Identifiers: ClinVar variation 1959090 (VCV001959090.3), dbSNP rs777177630, ClinGen allele CA347250969.

ClinVar aggregate classification (germline): Uncertain significance (1 of 4 stars; one submission).

Conditions:
Alstrom syndrome (ALMS). Identifiers: Orphanet 64, MedGen C0268425, MONDO:0008763, OMIM 203800.

gnomAD v4.1: 2 of 1,561,432 alleles (0.00013%); highest among the groups gnomAD compares: East Asian, 0.0048%; no homozygotes.

Submission:

Labcorp Genetics (formerly Invitae), Labcorp
Classification: Uncertain significance for Alstrom syndrome. Last evaluated: 2025-05-01. Review status: criteria provided, single submitter. Criteria: Invitae Variant Classification Sherloc (09022015). Collection method: clinical testing. Allele origin: germline.
Comment: This sequence change replaces leucine, which is neutral and non-polar, with glutamine, which is neutral and polar, at codon 92 of the ALMS1 protein (p.Leu92Gln). This variant is present in population databases (no rsID available, gnomAD 0.03%). This variant has not been reported in the literature in individuals affected with ALMS1-related conditions. ClinVar contains an entry for this variant (Variation ID: 1959090). Experimental studies and prediction algorithms are not available or were not evaluated, and the functional significance of this variant is currently unknown. In summary, the available evidence is currently insufficient to determine the role of this variant in disease. Therefore, it has been classified as a Variant of Uncertain Significance.